The following is an entry in ClinVar:

NM_014855.3(AP5Z1):c.702C>T (p.Asp234=)

Gene: AP5Z1 (adaptor related protein complex 5 subunit zeta 1; plus strand). Cytogenetic location: 7p22.1.
Variant type: single nucleotide variant.
Coding change: c.702C>T on transcript NM_014855.3 (MANE Select); coding-DNA position 702, C replaced by T.
Protein change: p.Asp234=; no amino-acid change (aspartic acid 234 retained).
Molecular consequence: synonymous variant. On other transcripts: non-coding transcript variant (1).
Genome position (GRCh38, 1-based): chr7:4,784,283, C>T. VCF-style: chr7-4784283-C-T. GRCh37 (hg19) VCF-style: chr7-4823914-C-T.
Other names: p.Asp234=; c.702C>T, p.Asp234= (LRG_1247t1); c.234C>T, p.Asp78= (NM_001364858.1).
Identifiers: ClinVar variation 360316 (VCV000360316.15), dbSNP rs370728528, ClinGen allele CA4137326.
Genomic context (GRCh38, chr7:4,784,283, plus strand): 5'-GGACGGGGCGGTAGCCACAGACTTCTTCACGGTGCTCTCCAGCGGCCACCGCTTCACAGA[C>T]GACCAGTGGCTGAACGTGCAGGCCTTCTCTATGCTGCGGGCGTGGCTGCTGCACAGCGGC-3'
Protein context (NP_055670.1, residues 224-244): TVLSSGHRFT[Asp234=]DQWLNVQAFS

ClinVar aggregate classification (germline): Conflicting classifications of pathogenicity. Review status: criteria provided, conflicting classifications (1 of 4 stars). 3 submissions from 3 submitters: Uncertain significance (1); Likely benign (2). Last evaluated 2025-05-21.

Conditions:
Hereditary spastic paraplegia 48. Also called: SPASTIC PARAPLEGIA 48, AUTOSOMAL RECESSIVE; Spastic paraplegia 48. Identifiers: Orphanet 306511, MedGen C3150901, MONDO:0013342, OMIM 613647.

Allele frequency attached by ClinVar (database versions not stated): gnomAD 0.00002 and 0.00003; TOPMed 0.00003; ESP Exome Variant Server 0.00008; gnomAD exomes 0.00008; ExAC 0.00019.
gnomAD v4.1: 74 of 1,602,250 alleles (0.0046%); highest among the groups gnomAD compares: South Asian, 0.0056%; no homozygotes.

Submissions (3):

Mayo Clinic Laboratories, Mayo Clinic
Classification: Likely benign. Last evaluated: 2025-05-21. Review status: criteria provided, single submitter. Criteria: ACMG Guidelines, 2015. Collection method: clinical testing. Allele origin: germline. Observed: 1 variant allele.
Comment: BP4, BP7

Labcorp Genetics (formerly Invitae), Labcorp
Classification: Likely benign for Hereditary spastic paraplegia 48. Last evaluated: 2022-11-13. Review status: criteria provided, single submitter. Criteria: Invitae Variant Classification Sherloc (09022015). Collection method: clinical testing. Allele origin: germline.

Illumina Laboratory Services, Illumina
Classification: Uncertain significance for Hereditary spastic paraplegia 48. Last evaluated: 2018-01-13. Review status: criteria provided, single submitter. Criteria: ICSL Variant Classification Criteria 13 December 2019. Collection method: clinical testing. Allele origin: germline.